The following is an entry in ClinVar:

ClinVar aggregate classification (germline): Uncertain significance (1 of 4 stars; one submission).

Conditions:
Mucopolysaccharidosis, MPS-IV-A (MPS4A). Also called: Morquio syndrome A, mild; MORQUIO SYNDROME A; GALACTOSAMINE-6-SULFATASE DEFICIENCY; GALNS DEFICIENCY; MORQUIO A DISEASE; mucopolysaccharidosis type 4A. Identifiers: Orphanet 309297, Orphanet 582, MedGen C0086651, MONDO:0009659, OMIM 253000.

Submission:

Laboratory of Diagnosis and Therapy of Lysosomal Disorders, University of Padova
Classification: Uncertain significance for Mucopolysaccharidosis, MPS-IV-A. Last evaluated: 2021-02-01. Review status: criteria provided, single submitter. Criteria: ACMG Guidelines, 2015. Collection method: curation. Allele origin: germline. Affected: yes.
Comment: Absent from gnomAD v2.1.1 (PM2_moderate); multiple lines of computational evidence support a deleterious effect on the gene (PP3_supporting)

Literature cited by the submitters: PubMed 22521955; PubMed 34387910.

NM_000512.5(GALNS):c.221C>T (p.Ser74Phe)

Gene: GALNS (galactosamine (N-acetyl)-6-sulfatase; minus strand). Cytogenetic location: 16q24.3.
Variant type: single nucleotide variant.
Coding change: c.221C>T on transcript NM_000512.5 (MANE Select); coding-DNA position 221, C replaced by T.
Protein change: p.Ser74Phe; replaces serine 74 with phenylalanine.
Molecular consequence: missense variant. On other transcripts: intron variant (1).
Genome position (GRCh38, 1-based): chr16:88,842,729, G>A on the plus strand (C>T on the coding strand, the complement: GALNS is on the minus strand). VCF-style: chr16-88842729-G-A. GRCh37 (hg19) VCF-style: chr16-88909137-G-A.
Other names: c.239C>T, p.Ser80Phe (NM_001323544.2); c.-311-758C>T (NM_001323543.2); short protein forms S74F, S80F.
Identifiers: ClinVar variation 1048383 (VCV001048383.4), dbSNP rs2143005475, ClinGen allele CA397091328.
Genomic context (GRCh38, chr16:88,842,729, plus strand): 5'-TCACCCCTTCCTGGGGGCGAGGGCCCCGCTGACTTACATGGCGAGCACAGAGGGTTGGCA[G>A]AATAGAAGTTTGGGAAAAGCAGCCCTTCTGCAGCCATCCGGTCCAAATTCGGGGTCTCTC-3'
Protein context (NP_000503.1, residues 64-84): AEGLLFPNFY[Ser74Phe]ANPLCSPSRA